The following is an entry in ClinVar:

NM_004415.4(DSP):c.2040_2043del (p.Glu680fs)

Gene: DSP (desmoplakin; plus strand). Cytogenetic location: 6p24.3.
Variant type: Deletion.
Coding change: c.2040_2043del on transcript NM_004415.4 (MANE Select); coding-DNA positions 2040 to 2043, 4 bases deleted (GCAC; older notation c.2040_2043delGCAC).
Protein change: p.Glu680fs; shifts the reading frame from glutamic acid 680.
Molecular consequence: frameshift variant.
Genome position (GRCh38, 1-based): chr6:7,571,978-7,571,981, GCAC deleted. VCF-style (leftmost placement, unchanged base first): chr6-7571977-AGCAC-A. GRCh37 (hg19) VCF-style: chr6-7572210-AGCAC-A.
Other names: c.2040_2043del, p.Glu680fs (NM_001008844.3, NM_001319034.2); short protein forms E680fs.
Identifiers: ClinVar variation 3759360 (VCV003759360.2).
Genomic context (GRCh38, chr6:7,571,977, plus strand): 5'-AAAATGACAAGCAAGAAACATGGATGCTGATGGAGCTGCAGAAGATTCGCAGGCAGATAG[AGCAC>A]TGCGAGGGCAGGATGACTCTCAAAAACCTCCCTCTAGCAGACCAGGGATCTTCTCACCAC-3'

ClinVar aggregate classification (germline): Pathogenic (1 of 4 stars; one submission).

Conditions:
Arrhythmogenic cardiomyopathy with wooly hair and keratoderma. Also called: PALMOPLANTAR KERATODERMA WITH LEFT VENTRICULAR CARDIOMYOPATHY AND WOOLLY HAIR; Carvajal syndrome; Dilated cardiomyopathy with woolly hair and keratoderma; Arrhythmogenic cardiomyopathy with woolly hair and keratoderma. Identifiers: Orphanet 65282, MedGen C1854063, MONDO:0011581, OMIM 605676.
Arrhythmogenic right ventricular dysplasia 8 (ARVD8). Also called: Arrhythmogenic Right Ventricular Dysplasia/Cardiomyopathy 8; ARRHYTHMOGENIC RIGHT VENTRICULAR DYSPLASIA, FAMILIAL, 8; ARRHYTHMOGENIC RIGHT VENTRICULAR CARDIOMYOPATHY 8. Identifiers: MedGen C1843896, MONDO:0011831, OMIM 607450.

Submission:

Labcorp Genetics (formerly Invitae), Labcorp
Classification: Pathogenic for Arrhythmogenic cardiomyopathy with wooly hair and keratoderma; Arrhythmogenic right ventricular dysplasia 8. Last evaluated: 2024-10-04. Review status: criteria provided, single submitter. Criteria: Invitae Variant Classification Sherloc (09022015). Collection method: clinical testing. Allele origin: germline.
Comment: This sequence change creates a premature translational stop signal (p.Glu680Aspfs*6) in the DSP gene. It is expected to result in an absent or disrupted protein product. Loss-of-function variants in DSP are known to be pathogenic (PMID: 20716751, 24503780, 25227139). This variant is not present in population databases (gnomAD no frequency). This variant has not been reported in the literature in individuals affected with DSP-related conditions. For these reasons, this variant has been classified as Pathogenic.

Literature cited by the submitters: PubMed 20716751; PubMed 24503780; PubMed 25227139.